The following is an entry in ClinVar:

NC_000017.10:g.(?_29490194)_(29490404_?)del

Gene: NF1 (neurofibromin 1; plus strand). Cytogenetic location: 17q11.2.
Variant type: Deletion.
Identifiers: ClinVar variation 3242850 (VCV003242850.1).

ClinVar aggregate classification (germline): Pathogenic (1 of 4 stars; one submission).

Conditions:
Neurofibromatosis, type 1 (NF1). Also called: VON RECKLINGHAUSEN DISEASE; Neurofibromatosis, type I; Peripheral type neurofibromatosis; NEUROFIBROMATOSIS, TYPE I, SOMATIC. Identifiers: Orphanet 636, MedGen C0027831, MONDO:0018975, OMIM 162200. Disease mechanism: loss of function.

Submission:

Labcorp Genetics (formerly Invitae), Labcorp
Classification: Pathogenic for Neurofibromatosis, type 1. Last evaluated: 2023-10-06. Review status: criteria provided, single submitter. Criteria: Invitae Variant Classification Sherloc (09022015). Collection method: clinical testing. Allele origin: unknown.
Comment: This variant is a gross deletion of the genomic region encompassing exon(s) 4 of the NF1 gene. This deletion is out-of-frame, and is expected to create a premature termination codon and result in an absent or disrupted protein product. Loss-of-function variants in NF1 are known to be pathogenic (PMID: 10712197, 23913538). A similar copy number variant has been observed in individual(s) with clinical features of neurofibromatosis type 1 (PMID: 18055911, 26189818). For these reasons, this variant has been classified as Pathogenic.

Literature cited by the submitters: PubMed 10712197; PubMed 23913538; PubMed 18055911; PubMed 26189818.